The following is an entry in ClinVar:

ClinVar aggregate classification (germline): Conflicting classifications of pathogenicity. Review status: criteria provided, conflicting classifications (1 of 4 stars). 9 submissions from 8 submitters: Uncertain significance (4); Likely benign (4). 1 of the submissions does not count toward it. Last evaluated 2025-12-26.

Conditions:
Hereditary cancer-predisposing syndrome. Also called: Tumor predisposition; Neoplastic Syndromes, Hereditary; Hereditary Cancer Syndrome; Hereditary neoplastic syndrome. Identifiers: Orphanet 140162, MedGen C0027672, MeSH D009386, MONDO:0015356.
Hereditary breast ovarian cancer syndrome. Also called: Hereditary breast and ovarian cancer syndrome (HBOC); Hereditary breast and ovarian cancer syndrome; Hereditary breast and ovarian cancer; Hereditary breast and/or ovarian cancer syndrome; Breast and ovarian cancer; BRCA1- and BRCA2-Associated Hereditary Breast and Ovarian Cancer. Identifiers: Orphanet 145, MedGen C0677776, MeSH D061325, MONDO:0003582. Disease mechanism: loss of function.
Breast-ovarian cancer, familial, susceptibility to, 1 (BROVCA1). Also called: OVARIAN CANCER, SUSCEPTIBILITY TO; BRCA1 Hereditary Breast and Ovarian Cancer. Identifiers: Orphanet 145, MedGen C2676676, MONDO:0011450, OMIM 604370. Disease mechanism: loss of function.

Allele frequency attached by ClinVar (database versions not stated): gnomAD exomes 0.00001 and 0.00002; TOPMed 0.00002; gnomAD 0.00003.

Submissions (10):

Women's Health and Genetics/Laboratory Corporation of America, LabCorp
Classification: Likely benign. Last evaluated: 2025-12-26. Review status: criteria provided, single submitter. Criteria: LabCorp Variant Classification Summary - May 2015. Collection method: clinical testing. Allele origin: germline.
Comment: Variant summary: BRCA1 c.5075-6C>A alters a nucleotide located at a position not widely known to affect splicing. Several computational tools predict a significant impact on normal splicing: Three predict the variant weakens a 3' acceptor site. However, one study confirmed the variant had no impact on normal splicing in RNA from blood, confirmed by RT-PCR, Sanger sequncing, and gel electrophoresis (e.g. Wai_2020). The variant allele was found at a frequency of 8e-06 in 250974 control chromosomes. The available data on variant occurrences in the general population are insufficient to allow any conclusion about variant significance. To our knowledge, no occurrence of c.5075-6C>A in individuals affected with BRCA1-related conditions has been reported. At least one functional study reports experimental evidence evaluating an impact on protein function and showed no damaging effect of this variant on homology directed repair (HDR) activity (e.g. Findlay_2018). HDR assays qualify as a recognized gold standard on the basis of updated guidance provided by the ClinGen Sequence Variant Interpretation (SVI) working group. The following publications have been ascertained in the context of this evaluation (PMID: 30209399, 32123317). ClinVar contains an entry for this variant (Variation ID: 37634). Based on the evidence outlined above, the variant was classified as likely benign.

Labcorp Genetics (formerly Invitae), Labcorp
Classification: Likely benign for Hereditary breast ovarian cancer syndrome. Last evaluated: 2025-10-22. Review status: criteria provided, single submitter. Criteria: Invitae Variant Classification Sherloc (09022015). Collection method: clinical testing. Allele origin: germline.

St. Jude Molecular Pathology, St. Jude Children's Research Hospital
Classification: Uncertain significance for Breast-ovarian cancer, familial, susceptibility to, 1. Last evaluated: 2023-08-30. Review status: criteria provided, single submitter. Criteria: St. Jude Assertion Criteria 2020. Collection method: clinical testing. Allele origin: germline.
Comment: The BRCA1 c.5075-6C>A intronic change results from a C to A substitution at the -6 position of intron 16 of the BRCA1 gene. Splice predictors are not conclusive as to whether or not this variant affects splicing. This variant is absent in gnomAD v2.1.1. This variant is absent in the FLOSSIES database which contains genetic variants from women older than 70 years of age who have never had cancer. This variant has not been reported in individuals with hereditary breast and ovarian cancer or Fanconi anemia. In summary, the evidence currently available is insufficient to determine the clinical significance of this variant. It has therefore been classified as of uncertain significance.

All of Us Research Program, National Institutes of Health
Classification: Likely benign for Breast-ovarian cancer, familial, susceptibility to, 1. Last evaluated: 2023-05-04. Review status: criteria provided, single submitter. Criteria: ACMG Guidelines, 2015. Collection method: clinical testing. Allele origin: germline. Inheritance: Autosomal dominant inheritance. Observed: 2 variant alleles, 2 heterozygotes.
Comment: This study involves interpretation of variants in research participants for the purpose of population health screening. Participant phenotype was not available at the time of variant classification. Additional details can be found in publication PMID: 35346344, PMCID: PMC8962531

St. Jude Molecular Pathology, St. Jude Children's Research Hospital
Classification: Uncertain significance for Hereditary breast ovarian cancer syndrome. Last evaluated: 2021-05-27. Review status: criteria provided, single submitter. Criteria: St. Jude Assertion Criteria 2020. Collection method: clinical testing. Allele origin: germline.
Comment: The BRCA1 c.5075-6C>A intronic change results from a a C to A substitution at the +6 position of intron 16 of the BRCA1 gene. Splice predictors are not inclusive as to whether or not this variant affects splicing and loss of function of the resulting protein product. Internal RNA data cannot conclusively determine the impact of this variant based on a low number of mutant reads (internal data). This variant is absent in gnomAD v2.1.1 (PM2_Supporting). This variant is absent in the FLOSSIES database which contains genetic variants from women older than 70 years of age who have never had cancer. In summary, this variant meets criteria to be classified as of uncertain significance based on the ACMG/AMP criteria: PM2_Supporting.

Quest Diagnostics Nichols Institute San Juan Capistrano
Classification: Uncertain significance. Last evaluated: 2019-11-06. Review status: criteria provided, single submitter. Criteria: Quest Diagnostics criteria. Collection method: clinical testing. Allele origin: unknown.

GeneDx
Classification: Uncertain significance. Last evaluated: 2018-09-27. Review status: criteria provided, single submitter. Criteria: GeneDx Variant Classification (06012015). Collection method: clinical testing. Allele origin: germline. Affected: yes.
Comment: This variant is denoted BRCA1 c.5075-6C>A or IVS16-6C>A and consists of a C>A nucleotide substitution at the -6 position of intron 16 of the BRCA1 gene. Using alternate nomenclature, this variant would be defined as BRCA1 5194-6C>A. In silico analyses, which include splice predictors and evolutionary conservation, are inconsistent in their assessment as to whether or not the variant is damaging. BRCA1 5194-6C>A has not, to our knowledge, been published in the literature as a pathogenic or benign germline variant. This variant was not observed at a significant allele frequency in large population cohorts (Lek 2016). Based on currently available evidence, it is unclear whether BRCA1 c.5075-6C>A is a pathogenic or benign variant. We consider it to be a variant of uncertain significance.

Color Diagnostics, LLC DBA Color Health
Classification: Likely benign for Hereditary cancer-predisposing syndrome. Last evaluated: 2016-12-12. Review status: criteria provided, single submitter. Criteria: ACMG Guidelines, 2015. Collection method: clinical testing. Allele origin: germline.

Sharing Clinical Reports Project (SCRP)
Classification: Uncertain significance for Breast-ovarian cancer, familial 1. Last evaluated: 2011-03-21. Review status: no assertion criteria provided. Collection method: clinical testing. Allele origin: germline. Not counted in ClinVar's aggregate classification.

Brotman Baty Institute, University of Washington
No classification provided (evidence only). Condition: Breast-ovarian cancer, familial 1. Review status: no classification provided. Collection method: in vitro. Allele origin: not applicable. Functional consequence: functionally_normal. Not counted in ClinVar's aggregate classification.
ClinVar note: "not provided" was previously submitted as the classification for the variant. However, the classification appeared to be based only on an observation of functional data so it was converted to no classification on 2025-07-30.

Literature cited by the submitters: PubMed 30209399 (cited by Women's Health and Genetics/Laboratory Corporation of America, LabCorp); PubMed 32123317 (cited by Women's Health and Genetics/Laboratory Corporation of America, LabCorp).

NM_007294.4(BRCA1):c.5075-6C>A

Gene: BRCA1 (BRCA1 DNA repair associated; minus strand). Cytogenetic location: 17q21.31.
Variant type: single nucleotide variant.
Coding change: c.5075-6C>A on transcript NM_007294.4 (MANE Select); 6 bases into the intron before coding-DNA position 5075, C replaced by A.
Molecular consequence: intron variant.
Genome position (GRCh38, 1-based): chr17:43,063,957, G>T on the plus strand (C>A on the coding strand, the complement: BRCA1 is on the minus strand). VCF-style: chr17-43063957-G-T. GRCh37 (hg19) VCF-style: chr17-41215974-G-T.
Other names: IVS17-6C>A; c.4952-6C>A (NM_001407665.1, NM_001407938.1, NM_001407667.1 and 6 more transcripts); c.1763-6C>A (NM_001407980.1, NM_001407993.1, NM_001407985.1 and 12 more transcripts); c.1766-6C>A (NM_001407976.1, NM_001407974.1, NM_001407973.1 and 3 more transcripts); c.5072-6C>A (NM_001407618.1, NM_001407614.1, NM_001407626.1 and 17 more transcripts); c.5075-6C>A (NM_001407603.1, NM_001407854.1, NM_001407598.1 and 7 more transcripts); c.1631-6C>A (NM_001408451.1); c.4862-6C>A (NM_001407898.1, NM_001407894.1, NM_001407909.1 and 12 more transcripts); and 74 more.
Identifiers: ClinVar variation 37634 (VCV000037634.29), dbSNP rs397507240, ClinGen allele CA003213.